The following is an entry in ClinVar:

NM_020937.4(FANCM):c.2293A>T (p.Ile765Leu)

Gene: FANCM (FA complementation group M; plus strand). Cytogenetic location: 14q21.2.
Variant type: single nucleotide variant.
Coding change: c.2293A>T on transcript NM_020937.4 (MANE Select); coding-DNA position 2293, A replaced by T.
Protein change: p.Ile765Leu; replaces isoleucine 765 with leucine.
Molecular consequence: missense variant.
Genome position (GRCh38, 1-based): chr14:45,173,187, A>T. VCF-style: chr14-45173187-A-T. GRCh37 (hg19) VCF-style: chr14-45642390-A-T.
Other names: c.2215A>T, p.Ile739Leu (NM_001308133.2); short protein forms I739L, I765L.
Identifiers: ClinVar variation 3848610 (VCV003848610.1).

ClinVar aggregate classification (germline): Uncertain significance (1 of 4 stars; one submission).

Conditions:
Inborn genetic diseases. Identifiers: MedGen C0950123, MeSH D030342.

gnomAD v4.1: 1 of 1,613,926 alleles (0.000062%); highest among the groups gnomAD compares: Non-Finnish European, 0.000085%; no homozygotes.

Submission:

Ambry Genetics
Classification: Uncertain significance for Inborn genetic diseases. Last evaluated: 2025-01-13. Review status: criteria provided, single submitter. Criteria: Ambry Variant Classification Scheme 2023. Collection method: clinical testing. Allele origin: germline.
Comment: The p.I765L variant (also known as c.2293A>T), located in coding exon 13 of the FANCM gene, results from an A to T substitution at nucleotide position 2293. The isoleucine at codon 765 is replaced by leucine, an amino acid with highly similar properties. This amino acid position is conserved. In addition, this alteration is predicted to be tolerated by in silico analysis. Based on the available evidence, the clinical significance of this variant remains unclear.